The following is an entry in ClinVar:

ClinVar aggregate classification (germline): Pathogenic/Likely pathogenic. Review status: criteria provided, multiple submitters, no conflicts (2 of 4 stars). 3 submissions from 3 submitters: Pathogenic (1); Likely pathogenic (1). 1 of the submissions does not count toward it. Last evaluated 2025-01-30.

Conditions:
Cone-rod dystrophy 3 (CORD3). Identifiers: Orphanet 1872, MedGen C1858806, MONDO:0011395, OMIM 604116.

Submissions (3):

Labcorp Genetics (formerly Invitae), Labcorp
Classification: Pathogenic. Last evaluated: 2025-01-30. Review status: criteria provided, single submitter. Criteria: Invitae Variant Classification Sherloc (09022015). Collection method: clinical testing. Allele origin: germline.
Comment: This sequence change creates a premature translational stop signal (p.Gln447*) in the ABCA4 gene. It is expected to result in an absent or disrupted protein product. Loss-of-function variants in ABCA4 are known to be pathogenic (PMID: 10958761, 24938718, 25312043, 26780318). This variant is not present in population databases (gnomAD no frequency). This premature translational stop signal has been observed in individual(s) with Stargardt disease, ABCA4-related conditions (PMID: 35120629, 38219857). ClinVar contains an entry for this variant (Variation ID: 265996). For these reasons, this variant has been classified as Pathogenic.

CeGaT Center for Human Genetics Tuebingen
Classification: Likely pathogenic. Last evaluated: 2016-11-01. Review status: criteria provided, single submitter. Criteria: CeGaT Center For Human Genetics Tuebingen Variant Classification Criteria Version 2. Collection method: clinical testing. Allele origin: germline. Affected: yes. Observed: 1 variant allele.

Bioscientia Institut fuer Medizinische Diagnostik GmbH, Sonic Healthcare
Classification: Likely pathogenic for Cone-rod dystrophy 3. Review status: no assertion criteria provided. Collection method: clinical testing. Allele origin: germline. Affected: yes. Not counted in ClinVar's aggregate classification.

Literature cited by the submitters: PubMed 10958761 (cited by Labcorp Genetics (formerly Invitae), Labcorp); PubMed 24938718 (cited by Labcorp Genetics (formerly Invitae), Labcorp); PubMed 25312043 (cited by Labcorp Genetics (formerly Invitae), Labcorp); PubMed 26780318 (cited by Labcorp Genetics (formerly Invitae), Labcorp); PubMed 35120629 (cited by Labcorp Genetics (formerly Invitae), Labcorp); PubMed 38219857 (cited by Labcorp Genetics (formerly Invitae), Labcorp).

NM_000350.3(ABCA4):c.1339C>T (p.Gln447Ter)

Gene: ABCA4 (ATP binding cassette subfamily A member 4; minus strand). Cytogenetic location: 1p22.1.
Variant type: single nucleotide variant.
Coding change: c.1339C>T on transcript NM_000350.3 (MANE Select); coding-DNA position 1339, C replaced by T.
Protein change: p.Gln447Ter; replaces glutamine 447 with a stop codon.
Molecular consequence: nonsense.
Genome position (GRCh38, 1-based): chr1:94,078,607, G>A on the plus strand (C>T on the coding strand, the complement: ABCA4 is on the minus strand). VCF-style: chr1-94078607-G-A. GRCh37 (hg19) VCF-style: chr1-94544163-G-A.
Other names: c.1339C>T, p.Gln447Ter (NM_001425324.1); short protein forms Q447*.
Identifiers: ClinVar variation 265996 (VCV000265996.45), dbSNP rs886039882, ClinGen allele CA10588920.